The following is an entry in ClinVar:

ClinVar aggregate classification (germline): Benign/Likely benign. Review status: criteria provided, multiple submitters, no conflicts (2 of 4 stars). 3 submissions from 3 submitters: Benign (1); Likely benign (1). 1 of the submissions does not count toward it. Last evaluated 2025-11-19.

Conditions:
Primary ciliary dyskinesia. Also called: Ciliary dyskinesia. Identifiers: Orphanet 244, MedGen C0008780, MONDO:0016575, HP:0012265.
DNAH11-related disorder. Also called: DNAH11-related condition.

Allele frequency attached by ClinVar (database versions not stated): gnomAD 0.00006 and 0.00015; TOPMed 0.00013; gnomAD exomes 0.00023 and 0.00034; ExAC 0.00093; 1000 Genomes Project 30x 0.00094; 1000 Genomes Project 0.00100.
gnomAD v4.1: 350 of 1,590,874 alleles (0.022%); highest among the groups gnomAD compares: East Asian, 0.78%; 2 homozygotes.

Submissions (3):

Labcorp Genetics (formerly Invitae), Labcorp
Classification: Benign for Primary ciliary dyskinesia. Last evaluated: 2025-11-19. Review status: criteria provided, single submitter. Criteria: Invitae Variant Classification Sherloc (09022015). Collection method: clinical testing. Allele origin: germline.

Ambry Genetics
Classification: Likely benign for Primary ciliary dyskinesia. Last evaluated: 2022-06-30. Review status: criteria provided, single submitter. Criteria: Ambry Variant Classification Scheme 2023. Collection method: clinical testing. Allele origin: germline.

PreventionGenetics, part of Exact Sciences
Classification: Likely benign for DNAH11-related condition. Last evaluated: 2024-05-17. Review status: no assertion criteria provided. Collection method: clinical testing. Allele origin: germline. Not counted in ClinVar's aggregate classification.
Comment: This variant is classified as likely benign based on ACMG/AMP sequence variant interpretation guidelines (Richards et al. 2015 PMID: 25741868, with internal and published modifications).

NM_001277115.2(DNAH11):c.971C>T (p.Ala324Val)

Gene: DNAH11 (dynein axonemal heavy chain 11; plus strand). Cytogenetic location: 7p15.3.
Variant type: single nucleotide variant.
Coding change: c.971C>T on transcript NM_001277115.2 (MANE Select); coding-DNA position 971, C replaced by T.
Protein change: p.Ala324Val; replaces alanine 324 with valine.
Molecular consequence: missense variant.
Genome position (GRCh38, 1-based): chr7:21,561,159, C>T. VCF-style: chr7-21561159-C-T. GRCh37 (hg19) VCF-style: chr7-21600777-C-T.
Other names: short protein forms A324V.
Identifiers: ClinVar variation 525572 (VCV000525572.13), dbSNP rs79874320, ClinGen allele CA4178833.
Genomic context (GRCh38, chr7:21,561,159, plus strand): 5'-TTAAGATCCTGACAACTAAACAAAGCAGCTATTTTCCTACTCTGAAGGACATTTTTCTGG[C>T]TGTGGAAAATGGTAAGACTCTTGTTCCTCAGCCTGGCATCAATATCACCATCTGCTCATG-3'
Protein context (NP_001264044.1, residues 314-334): YFPTLKDIFL[Ala324Val]VENALLEAQD